The following is an entry in ClinVar:

ClinVar aggregate classification (germline): Uncertain significance (1 of 4 stars; one submission).

Conditions:
Emery-Dreifuss muscular dystrophy 4, autosomal dominant (EDMD4). Also called: EMERY-DREIFUSS MUSCULAR DYSTROPHY 4 WITH VARIABLE FEATURES. Identifiers: Orphanet 261, MedGen C2751807, MONDO:0013071, OMIM 612998.
Autosomal recessive ataxia, Beauce type. Also called: Spinocerebellar ataxia, autosomal recessive 8; ATAXIA, RECESSIVE, OF BEAUCE; SYNE1-Related Autosomal Recessive Cerebellar Ataxia; SYNE1 Deficiency. Identifiers: Orphanet 88644, MedGen C1853116, MONDO:0012549, OMIM 610743.

Allele frequency attached by ClinVar (database versions not stated): TOPMed below 0.00001.
gnomAD v4.1: 7 of 1,614,088 alleles (0.00043%); highest among the groups gnomAD compares: Admixed American, 0.01%; no homozygotes.

Submission:

Labcorp Genetics (formerly Invitae), Labcorp
Classification: Uncertain significance for Emery-Dreifuss muscular dystrophy 4, autosomal dominant; Autosomal recessive ataxia, Beauce type. Last evaluated: 2023-02-27. Review status: criteria provided, single submitter. Criteria: Invitae Variant Classification Sherloc (09022015). Collection method: clinical testing. Allele origin: germline.
Comment: This sequence change replaces aspartic acid, which is acidic and polar, with valine, which is neutral and non-polar, at codon 6130 of the SYNE1 protein (p.Asp6130Val). In summary, the available evidence is currently insufficient to determine the role of this variant in disease. Therefore, it has been classified as a Variant of Uncertain Significance. An algorithm developed to predict the effect of missense changes on protein structure and function (PolyPhen-2) suggests that this variant is likely to be tolerated. ClinVar contains an entry for this variant (Variation ID: 654521). This variant has not been reported in the literature in individuals affected with SYNE1-related conditions. This variant is present in population databases (rs375829264, gnomAD 0.01%).

NM_182961.4(SYNE1):c.18602A>T (p.Asp6201Val)

Gene: SYNE1 (spectrin repeat containing nuclear envelope protein 1; minus strand). Cytogenetic location: 6q25.2.
Variant type: single nucleotide variant.
Coding change: c.18602A>T on transcript NM_182961.4 (MANE Select); coding-DNA position 18602, A replaced by T.
Protein change: p.Asp6201Val; replaces aspartic acid 6201 with valine.
Molecular consequence: missense variant.
Genome position (GRCh38, 1-based): chr6:152,269,258, T>A on the plus strand (A>T on the coding strand, the complement: SYNE1 is on the minus strand). VCF-style: chr6-152269258-T-A. GRCh37 (hg19) VCF-style: chr6-152590393-T-A.
Other names: c.18389A>T, p.Asp6130Val (NM_033071.5); short protein forms D6130V, D6201V.
Identifiers: ClinVar variation 654521 (VCV000654521.8), dbSNP rs375829264, ClinGen allele CA4054912.